The following is an entry in ClinVar:

NM_004738.5(VAPB):c.*2766C>T

Gene: VAPB (VAMP associated protein B and C; plus strand). Cytogenetic location: 20q13.32.
Variant type: single nucleotide variant.
Coding change: c.*2766C>T on transcript NM_004738.5 (MANE Select); 2766 bases downstream of the stop codon, C replaced by T.
Molecular consequence: 3 prime UTR variant. On other transcripts: non-coding transcript variant (1).
Genome position (GRCh38, 1-based): chr20:58,447,001, C>T. VCF-style: chr20-58447001-C-T. GRCh37 (hg19) VCF-style: chr20-57022057-C-T.
Other names: c.*2836C>T (NM_001195677.2).
Identifiers: ClinVar variation 338963 (VCV000338963.6), dbSNP rs6128346, ClinGen allele CA9924506.

ClinVar aggregate classification (germline): Benign. Review status: criteria provided, single submitter (1 of 4 stars). 2 submissions from 1 submitter: Benign (2). Last evaluated 2018-01-12.

Conditions:
Adult-onset proximal spinal muscular atrophy, autosomal dominant. Also called: FINKEL LATE-ADULT TYPE SMA; Spinal muscular atrophy, late-onset, finkel type. Identifiers: Orphanet 209335, MedGen C1854058, MONDO:0008453, OMIM 182980.
Amyotrophic lateral sclerosis type 8 (ALS8). Identifiers: Orphanet 803, MedGen C1837728, MONDO:0012077, OMIM 608627.

Allele frequency attached by ClinVar (database versions not stated): ExAC 0.00028; gnomAD 0.00064 and 0.00081; gnomAD exomes 0.00086 and 0.00218; TOPMed 0.00127; 1000 Genomes Project 0.00359; 1000 Genomes Project 30x 0.00390.
gnomAD v4.1: 389 of 454,028 alleles (0.086%); highest among the groups gnomAD compares: East Asian, 2.2%; 6 homozygotes.

Submissions (2):

Illumina Laboratory Services, Illumina
Classification: Benign for Adult-onset proximal spinal muscular atrophy, autosomal dominant. Last evaluated: 2018-01-12. Review status: criteria provided, single submitter. Criteria: ICSL Variant Classification Criteria 13 December 2019. Collection method: clinical testing. Allele origin: germline.
Comment: This variant was observed in the ICSL laboratory as part of a predisposition screen in an ostensibly healthy population. It had not been previously curated by ICSL or reported in the Human Gene Mutation Database (HGMD: prior to June 1st, 2018), and was therefore a candidate for classification through an automated scoring system. Utilizing variant allele frequency, disease prevalence and penetrance estimates, and inheritance mode, an automated score was calculated to assess if this variant is too frequent to cause the disease. Based on the score and internal cut-off values, a variant classified as benign is not then subjected to further curation. The score for this variant resulted in a classification of benign for this disease.

Illumina Laboratory Services, Illumina
Classification: Benign for Amyotrophic lateral sclerosis type 8. Last evaluated: 2018-01-12. Review status: criteria provided, single submitter. Criteria: ICSL Variant Classification Criteria 13 December 2019. Collection method: clinical testing. Allele origin: germline.
Comment: the same text as in the submission from Illumina Laboratory Services, Illumina above.